The following is an entry in ClinVar:

ClinVar aggregate classification (germline): Uncertain significance (1 of 4 stars; one submission).

Conditions:
POLD1-related polyposis and colorectal cancer syndrome (CRCS10). Also called: COLORECTAL CANCER, SUSCEPTIBILITY TO, ON CHROMOSOME 19q; Colorectal cancer 10; Colorectal cancer, susceptibility to, 10. Identifiers: Orphanet 220460, MedGen C2675481, MONDO:0012953, OMIM 612591.

Submission:

Labcorp Genetics (formerly Invitae), Labcorp
Classification: Uncertain significance for POLD1-related polyposis and colorectal cancer syndrome. Last evaluated: 2025-05-04. Review status: criteria provided, single submitter. Criteria: Invitae Variant Classification Sherloc (09022015). Collection method: clinical testing. Allele origin: germline.
Comment: This sequence change falls in intron 25 of the POLD1 gene. It does not directly change the encoded amino acid sequence of the POLD1 protein. This variant is not present in population databases (gnomAD no frequency). This variant has not been reported in the literature in individuals affected with POLD1-related conditions. Experimental studies and prediction algorithms are not available or were not evaluated, and the effect of this variant on mRNA splicing is currently unknown. In summary, the available evidence is currently insufficient to determine the role of this variant in disease. Therefore, it has been classified as a Variant of Uncertain Significance.

NM_002691.4(POLD1):c.3121-35_3121-17del

Gene: POLD1 (DNA polymerase delta 1, catalytic subunit; plus strand). Cytogenetic location: 19q13.33.
Variant type: Deletion.
Coding change: c.3121-35_3121-17del on transcript NM_002691.4 (MANE Select); 35 bases into the intron before coding-DNA position 3121 through 17 bases into the intron before coding-DNA position 3121, 19 bases deleted (GCGGGGGCGCCCTGCTCAG).
Molecular consequence: intron variant.
Genome position (GRCh38, 1-based): chr19:50,417,137-50,417,155, GCGGGGGCGCCCTGCTCAG deleted; deleting any 19 consecutive bases within chr19:50,417,135-50,417,155 gives the same sequence; the c. name uses the placement nearest the transcript's 3' end. VCF-style (leftmost placement, unchanged base first): chr19-50417134-GAGGCGGGGGCGCCCTGCTC-G. GRCh37 (hg19) VCF-style: chr19-50920391-GAGGCGGGGGCGCCCTGCTC-G.
Other names: c.3121-35_3121-17del (NM_001256849.1, NM_001438212.1, NM_001438213.1); c.3049-35_3049-17del (NM_001438210.1, NM_001438211.1); c.3199-35_3199-17del (NM_001308632.1).
Identifiers: ClinVar variation 4718881 (VCV004718881.1).